The following is an entry in ClinVar:

ClinVar aggregate classification (germline): Uncertain significance (1 of 4 stars; one submission).

Conditions:
Hereditary cancer-predisposing syndrome. Also called: Neoplastic Syndromes, Hereditary; Tumor predisposition; Hereditary neoplastic syndrome; Hereditary Cancer Syndrome. Identifiers: Orphanet 140162, MedGen C0027672, MeSH D009386, MONDO:0015356.

Submission:

Labcorp Genetics (formerly Invitae), Labcorp
Classification: Uncertain significance for Hereditary cancer-predisposing syndrome. Last evaluated: 2021-07-17. Review status: criteria provided, single submitter. Criteria: Invitae Variant Classification Sherloc (09022015). Collection method: clinical testing. Allele origin: germline.
Comment: This variant has not been reported in the literature in individuals affected with RAD50-related conditions. This variant is not present in population databases (ExAC no frequency). This sequence change replaces alanine with glutamic acid at codon 419 of the RAD50 protein (p.Ala419Glu). The alanine residue is weakly conserved and there is a moderate physicochemical difference between alanine and glutamic acid. Algorithms developed to predict the effect of missense changes on protein structure and function (SIFT, PolyPhen-2, Align-GVGD) all suggest that this variant is likely to be tolerated. In summary, the available evidence is currently insufficient to determine the role of this variant in disease. Therefore, it has been classified as a Variant of Uncertain Significance.

NM_005732.4(RAD50):c.1256C>A (p.Ala419Glu)

Gene: RAD50 (RAD50 double strand break repair protein; plus strand). Cytogenetic location: 5q31.1.
Variant type: single nucleotide variant.
Coding change: c.1256C>A on transcript NM_005732.4 (MANE Select); coding-DNA position 1256, C replaced by A.
Protein change: p.Ala419Glu; replaces alanine 419 with glutamic acid.
Molecular consequence: missense variant.
Genome position (GRCh38, 1-based): chr5:132,589,641, C>A. VCF-style: chr5-132589641-C-A. GRCh37 (hg19) VCF-style: chr5-131925333-C-A.
Other names: short protein forms A419E.
Identifiers: ClinVar variation 1368124 (VCV001368124.8), dbSNP rs1554098300, ClinGen allele CA360943583.